The following is an entry in ClinVar:

NM_001360.3(DHCR7):c.1001C>T (p.Thr334Ile)

Gene: DHCR7 (7-dehydrocholesterol reductase; minus strand). Cytogenetic location: 11q13.4.
Variant type: single nucleotide variant.
Coding change: c.1001C>T on transcript NM_001360.3 (MANE Select); coding-DNA position 1001, C replaced by T.
Protein change: p.Thr334Ile; replaces threonine 334 with isoleucine.
Molecular consequence: missense variant.
Genome position (GRCh38, 1-based): chr11:71,435,802, G>A on the plus strand (C>T on the coding strand, the complement: DHCR7 is on the minus strand). VCF-style: chr11-71435802-G-A. GRCh37 (hg19) VCF-style: chr11-71146848-G-A.
Other names: c.1001C>T, p.Thr334Ile (NM_001163817.2); short protein forms T334I.
Identifiers: ClinVar variation 2143440 (VCV002143440.5), dbSNP rs748020179, ClinGen allele CA6162340.

ClinVar aggregate classification (germline): Uncertain significance. Review status: criteria provided, multiple submitters, no conflicts (2 of 4 stars). 3 submissions from 3 submitters: Uncertain significance (3). Last evaluated 2024-10-18.

Conditions:
Inborn genetic diseases. Identifiers: MedGen C0950123, MeSH D030342.
Smith-Lemli-Opitz syndrome (SLOS). Also called: 7-Dehydrocholesterol reductase deficiency; LETHAL ACRODYSGENITAL SYNDROME; POLYDACTYLY, SEX REVERSAL, RENAL HYPOPLASIA, AND UNILOBAR LUNG; RSH SYNDROME; RUTLEDGE LETHAL MULTIPLE CONGENITAL ANOMALY SYNDROME. Identifiers: Orphanet 818, MedGen C0175694, MONDO:0010035, OMIM 270400.

Allele frequency attached by ClinVar (database versions not stated): TOPMed below 0.00001; ExAC 0.00001; gnomAD exomes 0.00001.
gnomAD v4.1: 17 of 1,607,016 alleles (0.0011%); highest among the groups gnomAD compares: South Asian, 0.0033%; 1 homozygote.

Submissions (3):

Revvity Omics, Revvity
Classification: Uncertain significance for Smith-Lemli-Opitz syndrome. Last evaluated: 2024-10-18. Review status: criteria provided, single submitter. Criteria: ACMG Guidelines, 2015. Collection method: clinical testing. Allele origin: germline.

Ambry Genetics
Classification: Uncertain significance for Inborn genetic diseases. Last evaluated: 2024-04-06. Review status: criteria provided, single submitter. Criteria: Ambry Variant Classification Scheme 2023. Collection method: clinical testing. Allele origin: germline.

Labcorp Genetics (formerly Invitae), Labcorp
Classification: Uncertain significance for Smith-Lemli-Opitz syndrome. Last evaluated: 2024-03-06. Review status: criteria provided, single submitter. Criteria: Invitae Variant Classification Sherloc (09022015). Collection method: clinical testing. Allele origin: germline.
Comment: This sequence change replaces threonine, which is neutral and polar, with isoleucine, which is neutral and non-polar, at codon 334 of the DHCR7 protein (p.Thr334Ile). This variant is present in population databases (rs748020179, gnomAD 0.003%). This variant has not been reported in the literature in individuals affected with DHCR7-related conditions. ClinVar contains an entry for this variant (Variation ID: 2143440). Advanced modeling of protein sequence and biophysical properties (such as structural, functional, and spatial information, amino acid conservation, physicochemical variation, residue mobility, and thermodynamic stability) performed at Invitae indicates that this missense variant is expected to disrupt DHCR7 protein function with a positive predictive value of 80%. In summary, the available evidence is currently insufficient to determine the role of this variant in disease. Therefore, it has been classified as a Variant of Uncertain Significance.